The following is an entry in ClinVar:

ClinVar aggregate classification (germline): Uncertain significance (1 of 4 stars; one submission).

Allele frequency attached by ClinVar (database versions not stated): gnomAD 0.00001; TOPMed 0.00001.
gnomAD v4.1: 1 of 1,602,428 alleles (0.000062%); highest among the groups gnomAD compares: Non-Finnish European, 0.000085%; no homozygotes.

Submission:

Labcorp Genetics (formerly Invitae), Labcorp
Classification: Uncertain significance. Last evaluated: 2022-09-27. Review status: criteria provided, single submitter. Criteria: Invitae Variant Classification Sherloc (09022015). Collection method: clinical testing. Allele origin: germline.
Comment: ClinVar contains an entry for this variant (Variation ID: 1468009). In summary, the available evidence is currently insufficient to determine the role of this variant in disease. Therefore, it has been classified as a Variant of Uncertain Significance. Variants that disrupt the consensus splice site are a relatively common cause of aberrant splicing (PMID: 17576681, 9536098). Algorithms developed to predict the effect of sequence changes on RNA splicing suggest that this variant is not likely to affect RNA splicing. This variant has not been reported in the literature in individuals affected with NEDD4L-related conditions. This variant is not present in population databases (gnomAD no frequency). This sequence change falls in intron 1 of the NEDD4L gene. It does not directly change the encoded amino acid sequence of the NEDD4L protein. It affects a nucleotide within the consensus splice site.

Literature cited by the submitters: PubMed 17576681; PubMed 9536098.

NM_001144967.3(NEDD4L):c.48+6T>C

Genes: NEDD4L (NEDD4 like E3 ubiquitin protein ligase; plus strand), LOC130062568 (ATAC-STARR-seq lymphoblastoid silent region 9483; plus strand). Cytogenetic location: 18q21.31.
Variant type: single nucleotide variant.
Coding change: c.48+6T>C on transcript NM_001144967.3 (MANE Select); 6 bases into the intron after coding-DNA position 48, T replaced by C.
Molecular consequence: intron variant.
Genome position (GRCh38, 1-based): chr18:58,044,714, T>C. VCF-style: chr18-58044714-T-C. GRCh37 (hg19) VCF-style: chr18-55711946-T-C.
Other names: c.48+6T>C (NM_015277.6, NM_001243960.2).
Identifiers: ClinVar variation 1468009 (VCV001468009.6), dbSNP rs1325638189, ClinGen allele CA780870106.
Genomic context (GRCh38, chr18:58,044,714, plus strand): 5'-CGGCTCCATGGCGACCGGGCTCGGGGAGCCGGTCTATGGACTTTCCGAAGACGAGGTGAG[T>C]GGCACCCCCTTCCTGCTCGGGACTCCCCGGGGAGTTCCTATCCCGCGCCGGCAGGGGGAG-3'